The following is an entry in ClinVar:

NM_014491.4(FOXP2):c.1A>G (p.Met1Val)

Gene: FOXP2 (forkhead box P2; plus strand). Cytogenetic location: 7q31.1.
Variant type: single nucleotide variant.
Coding change: c.1A>G on transcript NM_014491.4 (MANE Select); coding-DNA position 1, A replaced by G.
Protein change: p.Met1Val; changes the start codon (methionine 1).
Molecular consequence: missense variant, initiator codon variant. On other transcripts: non-coding transcript variant (2).
Genome position (GRCh38, 1-based): chr7:114,426,512, A>G. VCF-style: chr7-114426512-A-G. GRCh37 (hg19) VCF-style: chr7-114066567-A-G.
Other names: c.1A>G, p.Met1Val (NM_001172766.3, NM_001172767.2, NM_148898.4 and 2 more transcripts); short protein forms M1V.
Identifiers: ClinVar variation 3766112 (VCV003766112.1).

ClinVar aggregate classification (germline): Likely pathogenic (1 of 4 stars; one submission).

Submission:

GeneDx
Classification: Likely pathogenic. Last evaluated: 2024-09-03. Review status: criteria provided, single submitter. Criteria: GeneDx Variant Classification Process June 2021. Collection method: clinical testing. Allele origin: germline. Affected: yes.
Comment: Not observed at significant frequency in large population cohorts (gnomAD); Initiation codon variant in a gene for which loss-of-function is a known mechanism of disease; This variant is associated with the following publications: (PMID: 36328423)